The following is an entry in ClinVar:

NM_004380.3(CREBBP):c.2526_2529dup (p.Pro844fs)

Gene: CREBBP (CREB binding lysine acetyltransferase; minus strand). Cytogenetic location: 16p13.3.
Variant type: Duplication.
Coding change: c.2526_2529dup on transcript NM_004380.3 (MANE Select); coding-DNA positions 2526 to 2529, 4 bases duplicated (GCTA; older notation c.2526_2529dupGCTA).
Protein change: p.Pro844fs; shifts the reading frame from proline 844.
Molecular consequence: frameshift variant.
Genome position (GRCh38, 1-based): chr16:3,770,921-3,770,924, TAGC duplicated on the plus strand (GCTA on the coding strand, the reverse complement: CREBBP is on the minus strand); duplicating any 4 consecutive bases within chr16:3,770,921-3,770,925 gives the same sequence; the c. name uses the placement nearest the transcript's 3' end. VCF-style (leftmost placement, unchanged base first): chr16-3770920-G-GTAGC. GRCh37 (hg19) VCF-style: chr16-3820921-G-GTAGC.
Other names: c.2412_2415dup, p.Pro806fs (NM_001079846.1); short protein forms P806fs, P844fs.
Identifiers: ClinVar variation 2004442 (VCV002004442.4), dbSNP rs2548416338, ClinGen allele CA2580091136.
Genomic context (GRCh38, chr16:3,770,920, plus strand): 5'-CAGCCGTGGAAGCAGGAGGCGGTGTTGGGTGCAGTGGTGACTGTGTCACTGGAGGGCAAG[G>GTAGC]TAGCTGGCTGGCCTGAGGCCCCAGCATGTTGAGAGGGTTAGGAAGAGCAGCACCAGGCAC-3'

ClinVar aggregate classification (germline): Pathogenic (1 of 4 stars; one submission).

Conditions:
Rubinstein-Taybi syndrome (RSTS). Identifiers: Orphanet 783, MedGen C0035934, MONDO:0019188.

Submission:

Labcorp Genetics (formerly Invitae), Labcorp
Classification: Pathogenic for Rubinstein-Taybi syndrome. Last evaluated: 2022-06-10. Review status: criteria provided, single submitter. Criteria: Invitae Variant Classification Sherloc (09022015). Collection method: clinical testing. Allele origin: germline.
Comment: This sequence change creates a premature translational stop signal (p.Pro844Alafs*127) in the CREBBP gene. It is expected to result in an absent or disrupted protein product. Loss-of-function variants in CREBBP are known to be pathogenic (PMID: 17052327, 18792986). For these reasons, this variant has been classified as Pathogenic. This variant has not been reported in the literature in individuals affected with CREBBP-related conditions. This variant is not present in population databases (gnomAD no frequency).

Literature cited by the submitters: PubMed 17052327; PubMed 18792986.